The following is an entry in ClinVar:

NM_153460.4(IL17RC):c.105+123_105+124insCTTTCTGGT

Gene: IL17RC (interleukin 17 receptor C; plus strand). Cytogenetic location: 3p25.3.
Variant type: Insertion.
Coding change: c.105+123_105+124insCTTTCTGGT on transcript NM_153460.4 (MANE Select); bases 123 to 124 of the intron after coding-DNA position 105, CTTTCTGGT inserted.
Molecular consequence: intron variant. On other transcripts: inframe insertion (1).
Genome position: GRCh38 VCF-style: chr3-9917537-G-GTCTGGTCTT. GRCh37 (hg19) VCF-style: chr3-9959221-G-GTCTGGTCTT.
Other names: p.Leu74_Gly76dup; c.228_229insCTTTCTGGT, p.71LSG[3] (NM_153461.4); c.105+123_105+124insCTTTCTGGT (NM_001203263.2, NM_001203264.2, NM_001367278.1 and 4 more transcripts).
Identifiers: ClinVar variation 542550 (VCV000542550.11), dbSNP rs375878052, ClinGen allele CA2246677.

ClinVar aggregate classification (germline): Benign. Review status: criteria provided, multiple submitters, no conflicts (2 of 4 stars). 2 submissions from 2 submitters: Benign (2). Last evaluated 2026-02-01.

Conditions:
Candidiasis, familial, 9 (CANDF9). Identifiers: Orphanet 1334, MedGen C4225324, MONDO:0014642, OMIM 616445.

Submissions (2):

Labcorp Genetics (formerly Invitae), Labcorp
Classification: Benign for Candidiasis, familial, 9. Last evaluated: 2026-02-01. Review status: criteria provided, single submitter. Criteria: Invitae Variant Classification Sherloc (09022015). Collection method: clinical testing. Allele origin: germline.

Mayo Clinic Laboratories, Mayo Clinic
Classification: Benign. Last evaluated: 2024-10-17. Review status: criteria provided, single submitter. Criteria: ACMG Guidelines, 2015. Collection method: clinical testing. Allele origin: germline. Observed: 2 variant alleles.
Comment: BS1, BS2